The following is an entry in ClinVar:

NM_014845.6(FIG4):c.1255G>T (p.Ala419Ser)

Gene: FIG4 (FIG4 phosphoinositide 5-phosphatase; plus strand). Cytogenetic location: 6q21.
Variant type: single nucleotide variant.
Coding change: c.1255G>T on transcript NM_014845.6 (MANE Select); coding-DNA position 1255, G replaced by T.
Protein change: p.Ala419Ser; replaces alanine 419 with serine.
Molecular consequence: missense variant.
Genome position (GRCh38, 1-based): chr6:109,760,367, G>T. VCF-style: chr6-109760367-G-T. GRCh37 (hg19) VCF-style: chr6-110081570-G-T.
Other names: short protein forms A419S.
Identifiers: ClinVar variation 3571790 (VCV003571790.1).

ClinVar aggregate classification (germline): Uncertain significance (1 of 4 stars; one submission).

gnomAD v4.1: 12 of 1,612,968 alleles (0.00074%); highest among the groups gnomAD compares: Non-Finnish European, 0.001%; no homozygotes.

Submission:

Athena Diagnostics
Classification: Uncertain significance. Last evaluated: 2024-02-12. Review status: criteria provided, single submitter. Criteria: Athena Diagnostics Criteria. Collection method: clinical testing. Allele origin: unknown.
Comment: Available data are insufficient to determine the clinical significance of the variant at this time. This variant has not been reported in large, multi-ethnic general populations. Computational tools disagree on the variant's effect on normal protein function.